The following is an entry in ClinVar:

NM_001367479.1(DNAH14):c.13558C>T (p.Arg4520Cys)

Gene: DNAH14 (dynein axonemal heavy chain 14; plus strand). Cytogenetic location: 1q42.12.
Variant type: single nucleotide variant.
Coding change: c.13558C>T on transcript NM_001367479.1 (MANE Select); coding-DNA position 13558, C replaced by T.
Protein change: p.Arg4520Cys; replaces arginine 4520 with cysteine.
Molecular consequence: missense variant.
Genome position (GRCh38, 1-based): chr1:225,398,586, C>T. VCF-style: chr1-225398586-C-T. GRCh37 (hg19) VCF-style: chr1-225586288-C-T.
Other names: short protein forms R4520C.
Identifiers: ClinVar variation 2639958 (VCV002639958.24), dbSNP rs1439739088, ClinGen allele CA344990832.

ClinVar aggregate classification (germline): Uncertain significance (1 of 4 stars; one submission).

Allele frequency attached by ClinVar (database versions not stated): TOPMed below 0.00001.
gnomAD v4.1: 5 of 1,551,724 alleles (0.00032%); highest among the groups gnomAD compares: Admixed American, 0.0039%; no homozygotes.

Submission:

CeGaT Center for Human Genetics Tuebingen
Classification: Uncertain significance. Last evaluated: 2023-06-01. Review status: criteria provided, single submitter. Criteria: CeGaT Center For Human Genetics Tuebingen Variant Classification Criteria Version 2. Collection method: clinical testing. Allele origin: germline. Affected: yes. Observed: 1 variant allele.
Comment: DNAH14: PM2, BP4